The following is an entry in ClinVar:

NM_001035.3(RYR2):c.7269G>T (p.Leu2423Phe)

Gene: RYR2 (ryanodine receptor 2; plus strand). Cytogenetic location: 1q43.
Variant type: single nucleotide variant.
Coding change: c.7269G>T on transcript NM_001035.3 (MANE Select); coding-DNA position 7269, G replaced by T.
Protein change: p.Leu2423Phe; replaces leucine 2423 with phenylalanine.
Molecular consequence: missense variant.
Genome position (GRCh38, 1-based): chr1:237,643,374, G>T. VCF-style: chr1-237643374-G-T. GRCh37 (hg19) VCF-style: chr1-237806674-G-T.
Other names: short protein forms L2423F.
Identifiers: ClinVar variation 2090740 (VCV002090740.4), dbSNP rs2546990812, ClinGen allele CA345396956.

ClinVar aggregate classification (germline): Uncertain significance (1 of 4 stars; one submission).

Conditions:
Catecholaminergic polymorphic ventricular tachycardia 1. Also called: RYR2-Related Catecholaminergic Polymorphic Ventricular Tachycardia; VENTRICULAR TACHYCARDIA, STRESS-INDUCED POLYMORPHIC 1; VENTRICULAR TACHYCARDIA, CATECHOLAMINERGIC POLYMORPHIC, 1, WITH OR WITHOUT ATRIAL DYSFUNCTION AND/OR DILATED CARDIOMYOPATHY. Identifiers: Orphanet 3286, MedGen C1631597, MONDO:0011484, OMIM 604772.

Submission:

Labcorp Genetics (formerly Invitae), Labcorp
Classification: Uncertain significance for Catecholaminergic polymorphic ventricular tachycardia 1. Last evaluated: 2022-02-21. Review status: criteria provided, single submitter. Criteria: Invitae Variant Classification Sherloc (09022015). Collection method: clinical testing. Allele origin: germline.
Comment: In summary, the available evidence is currently insufficient to determine the role of this variant in disease. Therefore, it has been classified as a Variant of Uncertain Significance. Advanced modeling of protein sequence and biophysical properties (such as structural, functional, and spatial information, amino acid conservation, physicochemical variation, residue mobility, and thermodynamic stability) performed at Invitae indicates that this missense variant is expected to disrupt RYR2 protein function. This variant has not been reported in the literature in individuals affected with RYR2-related conditions. This variant is not present in population databases (gnomAD no frequency). This sequence change replaces leucine, which is neutral and non-polar, with phenylalanine, which is neutral and non-polar, at codon 2423 of the RYR2 protein (p.Leu2423Phe).